The following is an entry in ClinVar:

ClinVar aggregate classification (germline): Pathogenic/Likely pathogenic. Review status: criteria provided, multiple submitters, no conflicts (2 of 4 stars). 7 submissions from 7 submitters: Pathogenic (4); Likely pathogenic (3). Last evaluated 2025-08-20.

Conditions:
Multiple endocrine neoplasia, type 1 (MEN1). Also called: MEN I; WERMER SYNDROME; Endocrine adenomatosis multiple; MEN 1; MEA I. Identifiers: Orphanet 652, MedGen C0025267, MeSH D018761, MONDO:0007540, OMIM 131100.
Hereditary cancer-predisposing syndrome. Also called: Tumor predisposition; Neoplastic Syndromes, Hereditary; Hereditary neoplastic syndrome; Hereditary Cancer Syndrome. Identifiers: Orphanet 140162, MedGen C0027672, MeSH D009386, MONDO:0015356.

Submissions (7):

Color Diagnostics, LLC DBA Color Health
Classification: Likely pathogenic for Multiple endocrine neoplasia, type 1. Last evaluated: 2025-08-20. Review status: criteria provided, single submitter. Criteria: ACMG Guidelines, 2015. Collection method: clinical testing. Allele origin: germline.
Comment: This missense variant replaces leucine with proline at codon 223 of the MEN1 protein. Computational prediction suggests that this variant may have deleterious impact on protein structure and function. To our knowledge, functional studies have not been reported for this variant. This variant has been reported in at least five individuals from four families with MEN1 diagnosis and/or affected with MEN1-related lesions (PMID: 9683585, 10849016, 12112656, 34183184). This variant has not been identified in the general population by the Genome Aggregation Database (gnomAD). Based on the available evidence, this variant is classified as Likely Pathogenic.

Myriad Genetics, Inc.
Classification: Likely pathogenic for Multiple endocrine neoplasia, type 1. Last evaluated: 2025-06-24. Review status: criteria provided, single submitter. Criteria: Myriad Autosomal Dominant, Autosomal Recessive and X-Linked Classification Criteria (2023). Collection method: clinical testing. Allele origin: unknown.
Comment: This variant is considered likely pathogenic. This variant has been reported in multiple individuals with clinical features of gene-specific disease [PMID: 34183184, 12112656, 10849016]. This variant is expected to disrupt protein structure [Myriad internal data].

Ambry Genetics
Classification: Pathogenic for Hereditary cancer-predisposing syndrome. Last evaluated: 2025-02-27. Review status: criteria provided, single submitter. Criteria: Ambry Variant Classification Scheme 2023. Collection method: clinical testing. Allele origin: germline.
Comment: The p.L223P pathogenic mutation (also known as c.668T>C), located in coding exon 3 of the MEN1 gene, results from a T to C substitution at nucleotide position 668. The leucine at codon 223 is replaced by proline, an amino acid with similar properties. This alteration has been reported multiple unrelated individuals meeting clinical diagnostic criteria for multiple endocrine neoplasia type 1 (MEN1) (Giraud S et al. Am J Hum Genet. 1998 Aug;63(2):455-67; Roijers J et al. Eur J Clin Invest. 2000 Jun;30(6):487-92; Wautot V et al. Hum Mut. 2002;20(1):35-47; Ambry internal data). This pathogenic mutation has been shown to segregate with disease in our internal cohort (Ambry internal data). This variant was not reported in population-based cohorts in the Genome Aggregation Database (gnomAD). This amino acid position is highly conserved in available vertebrate species. In addition, this alteration is predicted to be deleterious by in silico analysis. Based on the supporting evidence, this alteration is interpreted as a disease-causing mutation.

Labcorp Genetics (formerly Invitae), Labcorp
Classification: Pathogenic for Multiple endocrine neoplasia, type 1. Last evaluated: 2024-11-04. Review status: criteria provided, single submitter. Criteria: Invitae Variant Classification Sherloc (09022015). Collection method: clinical testing. Allele origin: germline.
Comment: This sequence change replaces leucine, which is neutral and non-polar, with proline, which is neutral and non-polar, at codon 223 of the MEN1 protein (p.Leu223Pro). This variant is not present in population databases (gnomAD no frequency). This missense change has been observed in individuals with multiple endocrine neoplasia type 1 (PMID: 9683585, 10849016, 12112656; internal data). This variant is also known as c.683T>C (p.Leu228Pro). ClinVar contains an entry for this variant (Variation ID: 265236). Invitae Evidence Modeling of protein sequence and biophysical properties (such as structural, functional, and spatial information, amino acid conservation, physicochemical variation, residue mobility, and thermodynamic stability) indicates that this missense variant is expected to disrupt MEN1 protein function with a positive predictive value of 95%. For these reasons, this variant has been classified as Pathogenic.

Molecular Pathology, Peter Maccallum Cancer Centre
Classification: Likely pathogenic for Multiple endocrine neoplasia, type 1. Last evaluated: 2024-01-04. Review status: criteria provided, single submitter. Criteria: ACMG Guidelines, 2015. Collection method: clinical testing. Allele origin: germline. Inheritance: Autosomal dominant inheritance.

Baylor Genetics
Classification: Pathogenic for Multiple Endocrine Neoplasia Type 1. Last evaluated: 2023-02-22. Review status: criteria provided, single submitter. Criteria: ACMG Guidelines, 2015. Collection method: clinical testing. Allele origin: unknown.

GeneDx
Classification: Pathogenic. Last evaluated: 2019-07-02. Review status: criteria provided, single submitter. Criteria: GeneDx Variant Classification Process June 2021. Collection method: clinical testing. Allele origin: germline. Affected: yes.
Comment: Not observed in large population cohorts (Lek et al., 2016); In silico analysis, which includes protein predictors and evolutionary conservation, supports a deleterious effect; This variant is associated with the following publications: (PMID: 12112656, 9683585, 22470073, 12652570, 30869828, 28597079, 11836268, 10849016)

Literature cited by the submitters: PubMed 9683585 (cited by 3 submitters); PubMed 10849016 (cited by 4 submitters); PubMed 12112656 (cited by 4 submitters); PubMed 34183184 (cited by Color Diagnostics, LLC DBA Color Health and Myriad Genetics, Inc.).

NM_001370259.2(MEN1):c.668T>C (p.Leu223Pro)

Gene: MEN1 (menin 1; minus strand). Cytogenetic location: 11q13.1.
Variant type: single nucleotide variant.
Coding change: c.668T>C on transcript NM_001370259.2 (MANE Select); coding-DNA position 668, T replaced by C.
Protein change: p.Leu223Pro; replaces leucine 223 with proline.
Molecular consequence: missense variant.
Genome position (GRCh38, 1-based): chr11:64,807,667, A>G on the plus strand (T>C on the coding strand, the complement: MEN1 is on the minus strand). VCF-style: chr11-64807667-A-G. GRCh37 (hg19) VCF-style: chr11-64575139-A-G.
Other names: c.668T>C, p.Leu223Pro (NM_001370261.2, NM_130799.3, NM_001370251.2 and 1 more transcripts); c.563T>C, p.Leu188Pro (NM_001370262.2, NM_001370263.2); c.683T>C, p.Leu228Pro (NM_130800.3, NM_130801.3, NM_130802.3 and 3 more transcripts); short protein forms L223P, L228P, L188P.
Identifiers: ClinVar variation 265236 (VCV000265236.21), dbSNP rs886039415, ClinGen allele CA10588532.